The following is an entry in ClinVar:

NM_000751.3(CHRND):c.1330T>C (p.Phe444Leu)

Gene: CHRND (cholinergic receptor nicotinic delta subunit; plus strand). Cytogenetic location: 2q37.1.
Variant type: single nucleotide variant.
Coding change: c.1330T>C on transcript NM_000751.3 (MANE Select); coding-DNA position 1330, T replaced by C.
Protein change: p.Phe444Leu; replaces phenylalanine 444 with leucine.
Molecular consequence: missense variant.
Genome position (GRCh38, 1-based): chr2:232,534,301, T>C. VCF-style: chr2-232534301-T-C. GRCh37 (hg19) VCF-style: chr2-233399011-T-C.
Other names: c.1330T>C (NM_000751.1); c.1285T>C, p.Phe429Leu (NM_001256657.2); c.748T>C, p.Phe250Leu (NM_001311195.2); c.1027T>C, p.Phe343Leu (NM_001311196.2); short protein forms F250L, F444L, F343L, F429L.
Identifiers: ClinVar variation 662888 (VCV000662888.3), dbSNP rs772140028, ClinGen allele CA2168323.

ClinVar aggregate classification (germline): Uncertain significance. Review status: criteria provided, multiple submitters, no conflicts (2 of 4 stars). 2 submissions from 2 submitters: Uncertain significance (2). Last evaluated 2023-06-07.

Conditions:
Inborn genetic diseases. Identifiers: MedGen C0950123, MeSH D030342.
Lethal multiple pterygium syndrome (LMPS). Identifiers: Orphanet 33108, MedGen C1854678, MONDO:0009668, OMIM 253290.

Allele frequency attached by ClinVar (database versions not stated): gnomAD 0.00001; TOPMed 0.00001; ExAC 0.00002; gnomAD exomes 0.00002.
gnomAD v4.1: 22 of 1,614,056 alleles (0.0014%); highest among the groups gnomAD compares: Non-Finnish European, 0.0017%; no homozygotes.

Submissions (2):

Ambry Genetics
Classification: Uncertain significance for Inborn genetic diseases. Last evaluated: 2023-06-07. Review status: criteria provided, single submitter. Criteria: Ambry Variant Classification Scheme 2023. Collection method: clinical testing. Allele origin: germline.

Labcorp Genetics (formerly Invitae), Labcorp
Classification: Uncertain significance for Lethal multiple pterygium syndrome. Last evaluated: 2018-11-26. Review status: criteria provided, single submitter. Criteria: Invitae Variant Classification Sherloc (09022015). Collection method: clinical testing. Allele origin: germline.
Comment: This sequence change replaces phenylalanine with leucine at codon 444 of the CHRND protein (p.Phe444Leu). The phenylalanine residue is moderately conserved and there is a small physicochemical difference between phenylalanine and leucine. This variant is present in population databases (rs772140028, ExAC 0.004%). This variant has not been reported in the literature in individuals with CHRND-related disease. Algorithms developed to predict the effect of missense changes on protein structure and function are either unavailable or do not agree on the potential impact of this missense change (SIFT: "Deleterious"; PolyPhen-2: "Possibly Damaging"; Align-GVGD: "Class C0"). In summary, the available evidence is currently insufficient to determine the role of this variant in disease. Therefore, it has been classified as a Variant of Uncertain Significance.